The following is an entry in ClinVar:

ClinVar aggregate classification (germline): Uncertain significance. Review status: criteria provided, multiple submitters, no conflicts (2 of 4 stars). 5 submissions from 4 submitters: Uncertain significance (5). Last evaluated 2024-07-08.

Conditions:
Ectopia lentis et pupillae. Also called: ECTOPIA LENTIS WITH ECTOPIA OF PUPIL. Identifiers: Orphanet 1885, MedGen C1644196, MONDO:0009153, OMIM 225200.
Inborn genetic diseases. Identifiers: MedGen C0950123, MeSH D030342.
Ectopia lentis 2, isolated, autosomal recessive (ECTOL2). Identifiers: Orphanet 1885, MedGen C3541474, MONDO:0009152, OMIM 225100.

Allele frequency attached by ClinVar (database versions not stated): gnomAD 0.00004 and 0.00005; TOPMed 0.00007; ExAC 0.00008.
gnomAD v4.1: 43 of 1,613,776 alleles (0.0027%); highest among the groups gnomAD compares: East Asian, 0.085%; no homozygotes.

Submissions (5):

Labcorp Genetics (formerly Invitae), Labcorp
Classification: Uncertain significance. Last evaluated: 2024-07-08. Review status: criteria provided, single submitter. Criteria: Invitae Variant Classification Sherloc (09022015). Collection method: clinical testing. Allele origin: germline.
Comment: This sequence change replaces isoleucine, which is neutral and non-polar, with asparagine, which is neutral and polar, at codon 152 of the ADAMTSL4 protein (p.Ile152Asn). This variant is present in population databases (rs746798490, gnomAD 0.1%). This variant has not been reported in the literature in individuals affected with ADAMTSL4-related conditions. ClinVar contains an entry for this variant (Variation ID: 1490549). Advanced modeling of protein sequence and biophysical properties (such as structural, functional, and spatial information, amino acid conservation, physicochemical variation, residue mobility, and thermodynamic stability) has been performed at Invitae for this missense variant, however the output from this modeling did not meet the statistical confidence thresholds required to predict the impact of this variant on ADAMTSL4 protein function. In summary, the available evidence is currently insufficient to determine the role of this variant in disease. Therefore, it has been classified as a Variant of Uncertain Significance.

Genome-Nilou Lab
Classification: Uncertain significance for Ectopia lentis et pupillae. Last evaluated: 2023-04-11. Review status: criteria provided, single submitter. Criteria: ACMG Guidelines, 2015. Collection method: clinical testing. Allele origin: germline. Affected: no.

Genome-Nilou Lab
Classification: Uncertain significance for Ectopia lentis 2, isolated, autosomal recessive. Last evaluated: 2023-04-11. Review status: criteria provided, single submitter. Criteria: ACMG Guidelines, 2015. Collection method: clinical testing. Allele origin: germline. Affected: no.

Ambry Genetics
Classification: Uncertain significance for Inborn genetic diseases. Last evaluated: 2022-05-27. Review status: criteria provided, single submitter. Criteria: Ambry Variant Classification Scheme 2023. Collection method: clinical testing. Allele origin: germline.

Breakthrough Genomics
Classification: Uncertain significance. Review status: criteria provided, single submitter. Criteria: ACMG Guidelines, 2015. Collection method: not provided. Allele origin: germline. Inheritance: Autosomal recessive inheritance. Affected: yes.

NM_019032.6(ADAMTSL4):c.455T>A (p.Ile152Asn)

Genes: ADAMTSL4 (ADAMTS like 4; plus strand), ADAMTSL4-AS2 (ADAMTSL4 antisense RNA 2; minus strand). Cytogenetic location: 1q21.2.
Variant type: single nucleotide variant.
Coding change: c.455T>A on transcript NM_019032.6 (MANE Select); coding-DNA position 455, T replaced by A.
Protein change: p.Ile152Asn; replaces isoleucine 152 with asparagine.
Molecular consequence: missense variant.
Genome position (GRCh38, 1-based): chr1:150,553,446, T>A. VCF-style: chr1-150553446-T-A. GRCh37 (hg19) VCF-style: chr1-150525922-T-A.
Other names: c.455T>A, p.Ile152Asn (NM_001288607.2, NM_001288608.2, NM_001378596.1 and 1 more transcripts); c.455T>A (NM_019032.4); short protein forms I152N.
Identifiers: ClinVar variation 1490549 (VCV001490549.10), dbSNP rs746798490, ClinGen allele CA1077964.
Genomic context (GRCh38, chr1:150,553,446, plus strand): 5'-TGGTCAGAGCTGTGCCCCCACATCTGAAACACCTTCTCAGGTCCCGGCTTCGAGACCCCA[T>A]CAAGCCAGGAATGTTCGGTTATGGGAGAGTGCCCTTTGCATTGCCACTGCACCGGAACCG-3'
Protein context (NP_061905.2, residues 142-162): AARRSRLRDP[Ile152Asn]KPGMFGYGRV